The following is an entry in ClinVar:

NM_001206744.2(TPO):c.2499C>T (p.Asp833=)

Genes: LALTOP (lung cancer associated lncRNA targeting TOP2A; minus strand), TPO (thyroid peroxidase; plus strand). Cytogenetic location: 2p25.3.
Variant type: single nucleotide variant.
Coding change: c.2499C>T on transcript NM_001206744.2 (MANE Select); coding-DNA position 2499, C replaced by T.
Protein change: p.Asp833=; no amino-acid change (aspartic acid 833 retained).
Molecular consequence: synonymous variant. On other transcripts: intron variant (1).
Genome position (GRCh38, 1-based): chr2:1,504,060, C>T. VCF-style: chr2-1504060-C-T. GRCh37 (hg19) VCF-style: chr2-1507832-C-T.
Other names: c.2499C>T, p.Asp833= (NM_000547.6); c.2328C>T, p.Asp776= (NM_001206745.2, NM_175719.4); c.1980C>T, p.Asp660= (NM_175722.3); c.2386+7295C>T (NM_175721.3).
Identifiers: ClinVar variation 331393 (VCV000331393.37), dbSNP rs142148533, ClinGen allele CA1512143.

ClinVar aggregate classification (germline): Conflicting classifications of pathogenicity. Review status: criteria provided, conflicting classifications (1 of 4 stars). 4 submissions from 4 submitters: Uncertain significance (1); Benign (1); Likely benign (1). 1 of the submissions does not count toward it. Last evaluated 2026-01-24.

Conditions:
Deficiency of iodide peroxidase (TDH2A). Also called: THYROID HORMONOGENESIS, GENETIC DEFECT IN, 2A; THYROID PEROXIDASE DEFICIENCY; HYPOTHYROIDISM, CONGENITAL, DUE TO DYSHORMONOGENESIS, 2A; IODIDE PEROXIDASE DEFICIENCY; Thyroid dyshormonogenesis 2A. Identifiers: Orphanet 95716, MedGen C1291299, MONDO:0010133, OMIM 274500.
TPO-related disorder. Also called: TPO-related condition.

Allele frequency attached by ClinVar (database versions not stated): 1000 Genomes Project 0.00060; 1000 Genomes Project 30x 0.00062; gnomAD 0.00068 and 0.00083; TOPMed 0.00085; gnomAD exomes 0.00091 and 0.00116; ExAC 0.00092; ESP Exome Variant Server 0.00108.
gnomAD v4.1: 1,799 of 1,614,156 alleles (0.11%); highest among the groups gnomAD compares: Non-Finnish European, 0.13%; 4 homozygotes.

Submissions (4):

Labcorp Genetics (formerly Invitae), Labcorp
Classification: Benign. Last evaluated: 2026-01-24. Review status: criteria provided, single submitter. Criteria: Invitae Variant Classification Sherloc (09022015). Collection method: clinical testing. Allele origin: germline.

CeGaT Center for Human Genetics Tuebingen
Classification: Likely benign. Last evaluated: 2023-05-01. Review status: criteria provided, single submitter. Criteria: CeGaT Center For Human Genetics Tuebingen Variant Classification Criteria Version 2. Collection method: clinical testing. Allele origin: germline. Affected: yes. Observed: 1 variant allele.
Comment: TPO: BP4, BP7

Illumina Laboratory Services, Illumina
Classification: Uncertain significance for Deficiency of iodide peroxidase. Last evaluated: 2018-01-13. Review status: criteria provided, single submitter. Criteria: ICSL Variant Classification Criteria 13 December 2019. Collection method: clinical testing. Allele origin: germline.

PreventionGenetics, part of Exact Sciences
Classification: Likely benign for TPO-related condition. Last evaluated: 2019-05-01. Review status: no assertion criteria provided. Collection method: clinical testing. Allele origin: germline. Not counted in ClinVar's aggregate classification.
Comment: This variant is classified as likely benign based on ACMG/AMP sequence variant interpretation guidelines (Richards et al. 2015 PMID: 25741868, with internal and published modifications).